The following is an entry in ClinVar:

NM_000038.6(APC):c.1455G>A (p.Met485Ile)

Gene: APC (APC regulator of Wnt signaling pathway; plus strand). Cytogenetic location: 5q22.2.
Variant type: single nucleotide variant.
Coding change: c.1455G>A on transcript NM_000038.6 (MANE Select); coding-DNA position 1455, G replaced by A.
Protein change: p.Met485Ile; replaces methionine 485 with isoleucine.
Molecular consequence: missense variant.
Genome position (GRCh38, 1-based): chr5:112,827,154, G>A. VCF-style: chr5-112827154-G-A. GRCh37 (hg19) VCF-style: chr5-112162851-G-A.
Other names: c.1455G>A, p.Met485Ile (NM_001127510.3, NM_001354895.2); c.1401G>A, p.Met467Ile (NM_001127511.3); c.1509G>A, p.Met503Ile (NM_001354896.2); c.1485G>A, p.Met495Ile (NM_001354897.2); c.1380G>A, p.Met460Ile (NM_001354898.2); c.1371G>A, p.Met457Ile (NM_001354899.2); c.1332G>A, p.Met444Ile (NM_001354900.2); c.1278G>A, p.Met426Ile (NM_001354901.2); and 5 more; short protein forms M467I, M485I, M384I, M426I, M503I, M202I, M394I, M495I.
Identifiers: ClinVar variation 469708 (VCV000469708.24), dbSNP rs747739964, ClinGen allele CA027797.

ClinVar aggregate classification (germline): Uncertain significance. Review status: criteria provided, multiple submitters, no conflicts (2 of 4 stars). 7 submissions from 7 submitters: Uncertain significance (7). Last evaluated 2025-11-19.

Conditions:
Hereditary cancer-predisposing syndrome. Also called: Tumor predisposition; Hereditary neoplastic syndrome; Neoplastic Syndromes, Hereditary; Hereditary Cancer Syndrome. Identifiers: Orphanet 140162, MedGen C0027672, MeSH D009386, MONDO:0015356.
Gastric cancer. Also called: Stomach cancer; Malignant tumor of stomach. Identifiers: MedGen C0024623, MeSH D013274, MONDO:0001056, OMIM 613659, HP:0012126.
Familial adenomatous polyposis 1 (FAP1). Also called: FAMILIAL ADENOMATOUS POLYPOSIS 1, ATTENUATED; POLYPOSIS, ADENOMATOUS INTESTINAL. Identifiers: MedGen C2713442, MONDO:0021056, OMIM 175100. Disease mechanism: loss of function.

Allele frequency attached by ClinVar (database versions not stated): gnomAD exomes below 0.00001 and 0.00001; TOPMed below 0.00001; ExAC 0.00001.
gnomAD v4.1: 3 of 1,613,730 alleles (0.00019%); highest among the groups gnomAD compares: East Asian, 0.0045%; no homozygotes.

Submissions (7):

Labcorp Genetics (formerly Invitae), Labcorp
Classification: Uncertain significance for Familial adenomatous polyposis 1. Last evaluated: 2025-11-19. Review status: criteria provided, single submitter. Criteria: Invitae Variant Classification Sherloc (09022015). Collection method: clinical testing. Allele origin: germline.
Comment: This sequence change replaces methionine, which is neutral and non-polar, with isoleucine, which is neutral and non-polar, at codon 485 of the APC protein (p.Met485Ile). This variant is present in population databases (rs747739964, gnomAD 0.007%). This variant has not been reported in the literature in individuals affected with APC-related conditions. ClinVar contains an entry for this variant (Variation ID: 469708). Invitae Evidence Modeling of protein sequence and biophysical properties (such as structural, functional, and spatial information, amino acid conservation, physicochemical variation, residue mobility, and thermodynamic stability) indicates that this missense variant is not expected to disrupt APC protein function with a negative predictive value of 95%. In summary, the available evidence is currently insufficient to determine the role of this variant in disease. Therefore, it has been classified as a Variant of Uncertain Significance.

Color Diagnostics, LLC DBA Color Health
Classification: Uncertain significance for Hereditary cancer-predisposing syndrome. Last evaluated: 2025-08-27. Review status: criteria provided, single submitter. Criteria: ACMG Guidelines, 2015. Collection method: clinical testing. Allele origin: germline.
Comment: This missense variant replaces methionine with isoleucine at codon 485 of the APC protein. Computational prediction suggests that this variant may not impact protein structure and function. APC is defined as a gene for which primarily truncating variants are known to cause disease (ClinGen HCCP VCEP). To our knowledge, functional studies have not been reported for this variant. This variant has not been reported in individuals affected with APC-related disorders in the literature. This variant has been identified in 3/251198 chromosomes in the general population by the Genome Aggregation Database (gnomAD). The available evidence is insufficient to determine the role of this variant in disease conclusively. Therefore, this variant is classified as a Variant of Uncertain Significance.

GeneDx
Classification: Uncertain significance. Last evaluated: 2025-08-05. Review status: criteria provided, single submitter. Criteria: GeneDx Variant Classification Process June 2021. Collection method: clinical testing. Allele origin: germline. Affected: yes.
Comment: Not observed at significant frequency in large population cohorts (gnomAD); In silico analysis suggests that this missense variant does not alter protein structure/function; Has not been previously published as pathogenic or benign to our knowledge; This variant is associated with the following publications: (PMID: 18199528)

Department of Pathology and Laboratory Medicine, Sinai Health System
Classification: Uncertain significance for Gastric cancer. Last evaluated: 2024-12-12. Review status: criteria provided, single submitter. Criteria: ACMG Guidelines, 2015. Collection method: clinical testing. Allele origin: germline. Affected: yes.

Ambry Genetics
Classification: Uncertain significance for Hereditary cancer-predisposing syndrome. Last evaluated: 2024-05-24. Review status: criteria provided, single submitter. Criteria: Ambry Variant Classification Scheme 2023. Collection method: clinical testing. Allele origin: germline.
Comment: The p.M485I variant (also known as c.1455G>A), located in coding exon 11 of the APC gene, results from a G to A substitution at nucleotide position 1455. The methionine at codon 485 is replaced by isoleucine, an amino acid with highly similar properties. This amino acid position is well conserved in available vertebrate species. In addition, in silico predictors for this gene do not accurately predict pathogenicity. Missense alterations in APC are not a common cause of disease (Spier I et al. Genet Med. 2024 Feb;26(2):100992). Based on the available evidence, the clinical significance of this variant remains unclear.

Women's Health and Genetics/Laboratory Corporation of America, LabCorp
Classification: Uncertain significance. Last evaluated: 2024-04-30. Review status: criteria provided, single submitter. Criteria: LabCorp Variant Classification Summary - May 2015. Collection method: clinical testing. Allele origin: germline.
Comment: Variant summary: APC c.1455G>A (p.Met485Ile) results in a conservative amino acid change in the encoded protein sequence. Four of five in-silico tools predict a benign effect of the variant on protein function. The variant allele was found at a frequency of 1.2e-05 in 251198 control chromosomes. The available data on variant occurrences in the general population are insufficient to allow any conclusion about variant significance. To our knowledge, no occurrence of c.1455G>A in individuals affected with Familial Adenomatous Polyposis and no experimental evidence demonstrating its impact on protein function have been reported. ClinVar contains an entry for this variant (Variation ID: 469708). Based on the evidence outlined above, the variant was classified as uncertain significance.

Revvity Omics, Revvity
Classification: Uncertain significance. Last evaluated: 2019-09-05. Review status: criteria provided, single submitter. Criteria: ACMG Guidelines, 2015. Collection method: clinical testing. Allele origin: germline.